The following is an entry in ClinVar:

NM_025137.4(SPG11):c.6226_6230del (p.Pro2076fs)

Gene: SPG11 (SPG11 vesicle trafficking associated, spatacsin; minus strand). Cytogenetic location: 15q21.1.
Variant type: Deletion.
Coding change: c.6226_6230del on transcript NM_025137.4 (MANE Select); coding-DNA positions 6226 to 6230, 5 bases deleted (CCAAC; older notation c.6226_6230delCCAAC).
Protein change: p.Pro2076fs; shifts the reading frame from proline 2076.
Molecular consequence: frameshift variant.
Genome position (GRCh38, 1-based): chr15:44,572,796-44,572,800, GTTGG deleted on the plus strand (CCAAC on the coding strand, the reverse complement: SPG11 is on the minus strand); deleting any 5 consecutive bases within chr15:44,572,796-44,572,804 gives the same sequence; the c. name uses the placement nearest the transcript's 3' end. VCF-style (leftmost placement, unchanged base first): chr15-44572795-TGTTGG-T. GRCh37 (hg19) VCF-style: chr15-44864993-TGTTGG-T.
Other names: c.5887_5891del, p.Pro1963fs (NM_001160227.2); c.6082_6086del, p.Pro2028fs (NM_001411132.1); short protein forms P1963fs, P2076fs, P2028fs.
Identifiers: ClinVar variation 3676322 (VCV003676322.2).

ClinVar aggregate classification (germline): Pathogenic (1 of 4 stars; one submission).

Conditions:
Hereditary spastic paraplegia 11. Also called: SPASTIC PARAPLEGIA, AUTOSOMAL RECESSIVE, COMPLICATED, WITH THIN CORPUS CALLOSUM; SPASTIC PARAPLEGIA, AUTOSOMAL RECESSIVE, WITH MENTAL IMPAIRMENT AND THIN CORPUS CALLOSUM; Spastic Paraplegia 11; Spastic paraplegia, mental retardation and thin corpus callosum; Nakamura Osame syndrome; Autosomal recessive hereditary spastic paraplegia, mental impairment, and thin corpus callosum. Identifiers: Orphanet 2822, MedGen C1858479, MONDO:0011445, OMIM 604360.

Submission:

Labcorp Genetics (formerly Invitae), Labcorp
Classification: Pathogenic for Hereditary spastic paraplegia 11. Last evaluated: 2024-08-31. Review status: criteria provided, single submitter. Criteria: Invitae Variant Classification Sherloc (09022015). Collection method: clinical testing. Allele origin: germline.
Comment: This sequence change creates a premature translational stop signal (p.Pro2076Argfs*26) in the SPG11 gene. It is expected to result in an absent or disrupted protein product. Loss-of-function variants in SPG11 are known to be pathogenic (PMID: 19105190, 20110243, 22154821, 26556829). This variant is not present in population databases (gnomAD no frequency). This variant has not been reported in the literature in individuals affected with SPG11-related conditions. For these reasons, this variant has been classified as Pathogenic.

Literature cited by the submitters: PubMed 19105190; PubMed 20110243; PubMed 22154821; PubMed 26556829.